The following is an entry in ClinVar:

ClinVar aggregate classification (germline): Uncertain significance (1 of 4 stars; one submission).

Conditions:
Familial cancer of breast. Also called: BREAST CANCER, FAMILIAL; Hereditary breast cancer; hereditary breast carcinoma. Identifiers: Orphanet 227535, MedGen C0346153, MONDO:0016419, OMIM 114480. Disease mechanism: loss of function.
Fanconi anemia complementation group J. Also called: BRIP1-Related Fanconi Anemia. Identifiers: Orphanet 84, MedGen C1836860, MONDO:0012187, OMIM 609054.

Submission:

Labcorp Genetics (formerly Invitae), Labcorp
Classification: Uncertain significance for Familial cancer of breast; Fanconi anemia complementation group J. Last evaluated: 2023-10-13. Review status: criteria provided, single submitter. Criteria: Invitae Variant Classification Sherloc (09022015). Collection method: clinical testing. Allele origin: germline.
Comment: This sequence change replaces threonine, which is neutral and polar, with asparagine, which is neutral and polar, at codon 124 of the BRIP1 protein (p.Thr124Asn). This variant is not present in population databases (gnomAD no frequency). This variant has not been reported in the literature in individuals affected with BRIP1-related conditions. ClinVar contains an entry for this variant (Variation ID: 1380267). Advanced modeling of protein sequence and biophysical properties (such as structural, functional, and spatial information, amino acid conservation, physicochemical variation, residue mobility, and thermodynamic stability) performed at Invitae indicates that this missense variant is not expected to disrupt BRIP1 protein function. In summary, the available evidence is currently insufficient to determine the role of this variant in disease. Therefore, it has been classified as a Variant of Uncertain Significance.

NM_032043.3(BRIP1):c.371C>A (p.Thr124Asn)

Gene: BRIP1 (BRCA1 interacting DNA helicase 1; minus strand). Cytogenetic location: 17q23.2.
Variant type: single nucleotide variant.
Coding change: c.371C>A on transcript NM_032043.3 (MANE Select); coding-DNA position 371, C replaced by A.
Protein change: p.Thr124Asn; replaces threonine 124 with asparagine.
Molecular consequence: missense variant.
Genome position (GRCh38, 1-based): chr17:61,857,066, G>T on the plus strand (C>A on the coding strand, the complement: BRIP1 is on the minus strand). VCF-style: chr17-61857066-G-T. GRCh37 (hg19) VCF-style: chr17-59934427-G-T.
Other names: short protein forms T124N.
Identifiers: ClinVar variation 1380267 (VCV001380267.9), dbSNP rs2145826085, ClinGen allele CA400485280.
Genomic context (GRCh38, chr17:61,857,066, plus strand): 5'-AATTAAGACTCTTATTACAGATATCAACTGACCCAGGCAAAATATAAATTACCTTGACAA[G>T]TTGATGAAGTGCCATTTCTTTCAGAAGGTGGTGTGCTTGGATAGTTGAAATGACGTGAAG-3'
Protein context (NP_114432.2, residues 114-134): PPSERNGTSS[Thr124Asn]CQDSPEKTTL